The following is an entry in ClinVar:

NM_130837.3(OPA1):c.1886T>C (p.Leu629Pro)

Gene: OPA1 (OPA1 mitochondrial dynamin like GTPase; plus strand). Cytogenetic location: 3q29.
Variant type: single nucleotide variant.
Coding change: c.1886T>C on transcript NM_130837.3 (MANE Select); coding-DNA position 1886, T replaced by C.
Protein change: p.Leu629Pro; replaces leucine 629 with proline.
Molecular consequence: missense variant.
Genome position (GRCh38, 1-based): chr3:193,648,085, T>C. VCF-style: chr3-193648085-T-C. GRCh37 (hg19) VCF-style: chr3-193365874-T-C.
Other names: c.1886T>C (NM_130837.2); c.1775T>C, p.Leu592Pro (NM_130834.3); c.1778T>C, p.Leu593Pro (NM_130835.3); c.1832T>C, p.Leu611Pro (NM_130836.3); c.1352T>C, p.Leu451Pro (NM_001354663.2); c.1349T>C, p.Leu450Pro (NM_001354664.2); c.1721T>C, p.Leu574Pro (NM_015560.3); c.1613T>C, p.Leu538Pro (NM_130831.3); and 2 more; short protein forms L450P, L451P, L538P, L556P, L574P, L575P, L592P, L593P.
Identifiers: ClinVar variation 994700 (VCV000994700.6), dbSNP rs1711513392, ClinGen allele CA355790655.

ClinVar aggregate classification (germline): Likely pathogenic. Review status: criteria provided, multiple submitters, no conflicts (2 of 4 stars). 5 submissions from 5 submitters: Likely pathogenic (5). Last evaluated 2025-04-11.

Conditions:
OPA1-related disorder. Also called: OPA1-related disorders; OPA1-related condition.

Submissions (5):

Greenwood Genetic Center Diagnostic Laboratories, Greenwood Genetic Center
Classification: Likely pathogenic for OPA1-related disorder. Last evaluated: 2025-04-11. Review status: criteria provided, single submitter. Criteria: ACMG Guidelines, 2015. Collection method: clinical testing. Allele origin: germline. Affected: yes.
Comment: PS4_supporting, PM2, PM6, PP3

GeneDx
Classification: Likely pathogenic. Last evaluated: 2024-07-17. Review status: criteria provided, single submitter. Criteria: GeneDx Variant Classification Process June 2021. Collection method: clinical testing. Allele origin: germline. Affected: yes.
Comment: Not observed at significant frequency in large population cohorts (gnomAD); In silico analysis supports that this missense variant has a deleterious effect on protein structure/function; This variant is associated with the following publications: (PMID: 14961560)

Athena Diagnostics
Classification: Likely pathogenic. Last evaluated: 2023-07-05. Review status: criteria provided, single submitter. Criteria: Athena Diagnostics Criteria. Collection method: clinical testing. Allele origin: unknown.
Comment: This variant has not been reported in large, multi-ethnic general populations. Computational tools predict that this variant is damaging.

PreventionGenetics, part of Exact Sciences
Classification: Likely pathogenic for OPA1-related condition. Last evaluated: 2022-09-15. Review status: criteria provided, single submitter. Criteria: ACMG Guidelines, 2015. Collection method: clinical testing. Allele origin: germline.
Comment: The OPA1 c.1886T>C variant is predicted to result in the amino acid substitution p.Leu629Pro. This variant has not been reported in a large population database, indicating this variant is rare. Given the evidence, we interpret c.1886T>C (p.Leu629Pro) as likely pathogenic.

Blueprint Genetics
Classification: Likely pathogenic for OPA1-related disorders. Last evaluated: 2021-09-28. Review status: criteria provided, single submitter. Criteria: ACMG Guidelines, 2015. Collection method: clinical testing. Allele origin: germline. Affected: yes. Observed: 3 variant alleles.

Literature cited by the submitters: PubMed 14961560 (cited by Athena Diagnostics).